The following is an entry in ClinVar:

ClinVar aggregate classification (germline): Conflicting classifications of pathogenicity. Review status: criteria provided, conflicting classifications (1 of 4 stars). 2 submissions from 2 submitters: Uncertain significance (1); Likely benign (1). Last evaluated 2025-01-14.

Conditions:
Inborn genetic diseases. Identifiers: MedGen C0950123, MeSH D030342.

Allele frequency attached by ClinVar (database versions not stated): TOPMed below 0.00001.
gnomAD v4.1: 1 of 1,613,334 alleles (0.000062%); highest among the groups gnomAD compares: African/African-American, 0.0013%; no homozygotes.

Submissions (2):

Ambry Genetics
Classification: Likely benign for Inborn genetic diseases. Last evaluated: 2025-01-14. Review status: criteria provided, single submitter. Criteria: Ambry Variant Classification Scheme 2023. Collection method: clinical testing. Allele origin: germline.

Labcorp Genetics (formerly Invitae), Labcorp
Classification: Uncertain significance. Last evaluated: 2024-11-04. Review status: criteria provided, single submitter. Criteria: Invitae Variant Classification Sherloc (09022015). Collection method: clinical testing. Allele origin: germline.
Comment: This sequence change replaces proline, which is neutral and non-polar, with serine, which is neutral and polar, at codon 848 of the SAMD9 protein (p.Pro848Ser). This variant is present in population databases (no rsID available, gnomAD 0.007%). This variant has not been reported in the literature in individuals affected with SAMD9-related conditions. ClinVar contains an entry for this variant (Variation ID: 2808056). Invitae Evidence Modeling of protein sequence and biophysical properties (such as structural, functional, and spatial information, amino acid conservation, physicochemical variation, residue mobility, and thermodynamic stability) indicates that this missense variant is not expected to disrupt SAMD9 protein function with a negative predictive value of 95%. In summary, the available evidence is currently insufficient to determine the role of this variant in disease. Therefore, it has been classified as a Variant of Uncertain Significance.

NM_017654.4(SAMD9):c.2542C>T (p.Pro848Ser)

Gene: SAMD9 (sterile alpha motif domain containing 9; minus strand). Cytogenetic location: 7q21.2.
Variant type: single nucleotide variant.
Coding change: c.2542C>T on transcript NM_017654.4 (MANE Select); coding-DNA position 2542, C replaced by T.
Protein change: p.Pro848Ser; replaces proline 848 with serine.
Molecular consequence: missense variant.
Genome position (GRCh38, 1-based): chr7:93,103,556, G>A on the plus strand (C>T on the coding strand, the complement: SAMD9 is on the minus strand). VCF-style: chr7-93103556-G-A. GRCh37 (hg19) VCF-style: chr7-92732869-G-A.
Other names: c.2542C>T (NM_017654.3); c.2542C>T, p.Pro848Ser (NM_001193307.2); short protein forms P848S.
Identifiers: ClinVar variation 2808056 (VCV002808056.4), dbSNP rs1387462152, ClinGen allele CA368190212.